The following is an entry in ClinVar:

NM_173628.4(DNAH17):c.5640+6C>T

Genes: DNAH17 (dynein axonemal heavy chain 17; minus strand), DNAH17-AS1 (DNAH17 antisense RNA 1; plus strand). Cytogenetic location: 17q25.3.
Variant type: single nucleotide variant.
Coding change: c.5640+6C>T on transcript NM_173628.4 (MANE Select); 6 bases into the intron after coding-DNA position 5640, C replaced by T.
Molecular consequence: intron variant. On other transcripts: non-coding transcript variant (1).
Genome position (GRCh38, 1-based): chr17:78,500,299, G>A on the plus strand (C>T on the coding strand, the complement: DNAH17 is on the minus strand). VCF-style: chr17-78500299-G-A. GRCh37 (hg19) VCF-style: chr17-76496381-G-A.
Identifiers: ClinVar variation 3050531 (VCV003050531.2), dbSNP rs374795613, ClinGen allele CA8803186.
Genomic context (GRCh38, chr17:78,500,299, plus strand): 5'-AGGGTGCTAGGATCTGCTTCTATAAAAGAAGACTCTGGGTCCCTCCTCCGGACCCCGGCC[G>A]CGTACCTTGTAGTCCATCTGCTCGGAGCAGTTGAAGACGTAGACCATGGTGCCCAGGGCT-3'

ClinVar aggregate classification (germline): Likely benign (0 of 4 stars; one submission).

Conditions:
DNAH17-related disorder. Also called: DNAH17-related condition.

Allele frequency attached by ClinVar (database versions not stated): ExAC 0.00002; ESP Exome Variant Server 0.00016.
gnomAD v4.1: 27 of 1,608,332 alleles (0.0017%); highest among the groups gnomAD compares: Admixed American, 0.0034%; no homozygotes.

Submission:

PreventionGenetics, part of Exact Sciences
Classification: Likely benign for DNAH17-related condition. Last evaluated: 2019-07-12. Review status: no assertion criteria provided. Collection method: clinical testing. Allele origin: germline.
Comment: This variant is classified as likely benign based on ACMG/AMP sequence variant interpretation guidelines (Richards et al. 2015 PMID: 25741868, with internal and published modifications).